The following is an entry in ClinVar:

ClinVar aggregate classification (germline): Uncertain significance (1 of 4 stars; one submission).

Conditions:
Retinitis pigmentosa 12 (RP12). Also called: RP WITH OR WITHOUT PPRPE; RP WITH OR WITHOUT PRESERVED PARAARTERIOLE RETINAL PIGMENT EPITHELIUM; RETINITIS PIGMENTOSA WITH OR WITHOUT PARAARTERIOLAR PRESERVATION OF RETINAL PIGMENT EPITHELIUM. Identifiers: Orphanet 791, MedGen C1838647, MONDO:0010818, OMIM 600105.
Leber congenital amaurosis 8 (LCA8). Identifiers: Orphanet 65, MedGen C3151202, MONDO:0013453, OMIM 613835.

Allele frequency attached by ClinVar (database versions not stated): TOPMed below 0.00001; gnomAD 0.00001; gnomAD exomes 0.00001.
gnomAD v4.1: 9 of 1,608,362 alleles (0.00056%); highest among the groups gnomAD compares: East Asian, 0.0022%; no homozygotes.

Submission:

Labcorp Genetics (formerly Invitae), Labcorp
Classification: Uncertain significance for Leber congenital amaurosis 8; Retinitis pigmentosa 12. Last evaluated: 2022-06-13. Review status: criteria provided, single submitter. Criteria: Invitae Variant Classification Sherloc (09022015). Collection method: clinical testing. Allele origin: germline.
Comment: This sequence change replaces alanine, which is neutral and non-polar, with threonine, which is neutral and polar, at codon 2 of the CRB1 protein (p.Ala2Thr). This variant is present in population databases (no rsID available, gnomAD 0.005%). This variant has not been reported in the literature in individuals affected with CRB1-related conditions. Advanced modeling of protein sequence and biophysical properties (such as structural, functional, and spatial information, amino acid conservation, physicochemical variation, residue mobility, and thermodynamic stability) performed at Invitae indicates that this missense variant is not expected to disrupt CRB1 protein function. In summary, the available evidence is currently insufficient to determine the role of this variant in disease. Therefore, it has been classified as a Variant of Uncertain Significance.

NM_201253.3(CRB1):c.4G>A (p.Ala2Thr)

Gene: CRB1 (crumbs cell polarity complex component 1; plus strand). Cytogenetic location: 1q31.3.
Variant type: single nucleotide variant.
Coding change: c.4G>A on transcript NM_201253.3 (MANE Select); coding-DNA position 4, G replaced by A.
Protein change: p.Ala2Thr; replaces alanine 2 with threonine.
Molecular consequence: missense variant. On other transcripts: non-coding transcript variant (2), intron variant (1).
Genome position (GRCh38, 1-based): chr1:197,268,416, G>A. VCF-style: chr1-197268416-G-A. GRCh37 (hg19) VCF-style: chr1-197237546-G-A.
Other names: c.4G>A, p.Ala2Thr (NM_001193640.2, NM_001257966.2); c.-212-34024G>A (NM_001257965.2); short protein forms A2T.
Identifiers: ClinVar variation 1479173 (VCV001479173.5), dbSNP rs1203732030, ClinGen allele CA344082247.
Genomic context (GRCh38, chr1:197,268,416, plus strand): 5'-GCCGGACTGGGACCAGACCACCAGCAACACACCAGAGGATGTTCTCTAAATAAGACCATG[G>A]CACTTAAGAACATTAACTACCTTCTCATCTTCTACCTCAGTTTCTCACTGCTTATCTACA-3'
Protein context (NP_957705.1, residues 1-12): M[Ala2Thr]LKNINYLLIF